The following is an entry in ClinVar:

ClinVar aggregate classification (germline): Uncertain significance. Review status: criteria provided, multiple submitters, no conflicts (2 of 4 stars). 3 submissions from 3 submitters: Uncertain significance (3). Last evaluated 2025-11-05.

Conditions:
Primary familial hypertrophic cardiomyopathy (HCM). Identifiers: Orphanet 99739, MedGen C0949658, MeSH D024741, MONDO:0024573. Inheritance: Various modes of inheritance.

Allele frequency attached by ClinVar (database versions not stated): gnomAD exomes 0.00001.
gnomAD v4.1: 11 of 1,614,032 alleles (0.00068%); highest among the groups gnomAD compares: Middle Eastern, 0.016%; no homozygotes.

Submissions (3):

Labcorp Genetics (formerly Invitae), Labcorp
Classification: Uncertain significance for Primary familial hypertrophic cardiomyopathy. Last evaluated: 2025-11-05. Review status: criteria provided, single submitter. Criteria: Invitae Variant Classification Sherloc (09022015). Collection method: clinical testing. Allele origin: germline.
Comment: This sequence change replaces glutamic acid, which is acidic and polar, with lysine, which is basic and polar, at codon 201 of the ILK protein (p.Glu201Lys). This variant is not present in population databases (gnomAD no frequency). This variant has not been reported in the literature in individuals affected with ILK-related conditions. ClinVar contains an entry for this variant (Variation ID: 373741). An algorithm developed to predict the effect of missense changes on protein structure and function (PolyPhen-2) suggests that this variant is likely to be tolerated. In summary, the available evidence is currently insufficient to determine the role of this variant in disease. Therefore, it has been classified as a Variant of Uncertain Significance.

Ambry Genetics
Classification: Uncertain significance. Last evaluated: 2025-10-12. Review status: criteria provided, single submitter. Criteria: Ambry Variant Classification Scheme 2023. Collection method: clinical testing. Allele origin: germline.
Comment: The p.E201K variant (also known as c.601G>A), located in coding exon 6 of the ILK gene, results from a G to A substitution at nucleotide position 601. The glutamic acid at codon 201 is replaced by lysine, an amino acid with similar properties. This amino acid position is conserved. In addition, the in silico prediction for this alteration is inconclusive. Based on the available evidence, the clinical significance of this variant remains unclear.

GeneDx
Classification: Uncertain significance. Last evaluated: 2016-12-08. Review status: criteria provided, single submitter. Criteria: GeneDx Variant Classification (06012015). Collection method: clinical testing. Allele origin: germline. Affected: yes.
Comment: The E201K variant of uncertain significance in the ILK gene has not been published as a pathogenic variant, nor has itbeen reported as a benign variant to our knowledge. E201K was not observed in approximately 6,500 individuals ofEuropean and African American ancestry in the NHLBI Exome Sequencing Project, nor was it observed in the ExomeAggregation Consortium (ExAC), indicating it is not a common benign variant in these populations. The E201Kvariant is a non-conservative amino acid substitution, which is likely to impact secondary protein structure as theseresidues differ in polarity, charge, size and/or other properties. Moreover, this substitution occurs at a position that isconserved across species, and in silico analysis predicts this variant is probably damaging to the proteinstructure/function. Nevertheless, no pathogenic missense variants in nearby residues have been reported in the HumanGene Mutation Database (Stenson et al., 2014), indicating that this region of the gene is not known to harbor diseasecausingvariants.Therefore, based on the currently available information, it is unclear whether this variant is pathogenic or rare benign.This result cannot be interpreted for diagnosis or used for family member screening at this time.

NM_004517.4(ILK):c.601G>A (p.Glu201Lys)

Genes: TAF10 (TATA-box binding protein associated factor 10; minus strand), ILK (integrin linked kinase; plus strand). Cytogenetic location: 11p15.4.
Variant type: single nucleotide variant.
Coding change: c.601G>A on transcript NM_004517.4 (MANE Select); coding-DNA position 601, G replaced by A.
Protein change: p.Glu201Lys; replaces glutamic acid 201 with lysine.
Molecular consequence: missense variant. On other transcripts: 3 prime UTR variant (1), intron variant (1).
Genome position (GRCh38, 1-based): chr11:6,609,139, G>A. VCF-style: chr11-6609139-G-A. GRCh37 (hg19) VCF-style: chr11-6630370-G-A.
Other names: c.601G>A, p.Glu201Lys (NM_001014794.3, NM_001014795.3); c.199G>A, p.Glu67Lys (NM_001278442.2); c.*1783C>T (NM_006284.4); c.436-160G>A (NM_001278441.2); short protein forms E201K, E67K.
Identifiers: ClinVar variation 373741 (VCV000373741.9), dbSNP rs1057518584, ClinGen allele CA16042761.